The following is an entry in ClinVar:

ClinVar aggregate classification (germline): Likely benign. Review status: criteria provided, multiple submitters, no conflicts (2 of 4 stars). 2 submissions from 2 submitters: Likely benign (2). Last evaluated 2023-07-31.

Conditions:
Ehlers-Danlos syndrome, classic type, 1 (EDSCL1). Also called: EHLERS-DANLOS SYNDROME, GRAVIS TYPE; EHLERS-DANLOS SYNDROME, SEVERE CLASSIC TYPE; Ehlers-Danlos Syndrome, Classic Type, COL5A1-Related; EDS I; Ehlers-Danlos syndrome, type 1. Identifiers: MedGen C0268335, MONDO:0019567, OMIM 130000.

Allele frequency attached by ClinVar (database versions not stated): TOPMed 0.00002.
gnomAD v4.1: 3 of 1,613,876 alleles (0.00019%); highest among the groups gnomAD compares: African/African-American, 0.0013%; no homozygotes.

Submissions (2):

Labcorp Genetics (formerly Invitae), Labcorp
Classification: Likely benign for Ehlers-Danlos syndrome, classic type, 1. Last evaluated: 2023-07-31. Review status: criteria provided, single submitter. Criteria: Invitae Variant Classification Sherloc (09022015). Collection method: clinical testing. Allele origin: germline.

GeneDx
Classification: Likely benign. Last evaluated: 2016-03-16. Review status: criteria provided, single submitter. Criteria: GeneDx Variant Classification (06012015). Collection method: clinical testing. Allele origin: germline. Affected: yes.
Comment: This variant is considered likely benign or benign based on one or more of the following criteria: it is a conservative change, it occurs at a poorly conserved position in the protein, it is predicted to be benign by multiple in silico algorithms, and/or has population frequency not consistent with disease.

NM_000093.5(COL5A1):c.5313C>T (p.Asp1771=)

Genes: COL5A1 (collagen type V alpha 1 chain; plus strand), LOC101448202 (uncharacterized LOC101448202; minus strand). Cytogenetic location: 9q34.3.
Variant type: single nucleotide variant.
Coding change: c.5313C>T on transcript NM_000093.5 (MANE Select); coding-DNA position 5313, C replaced by T.
Protein change: p.Asp1771=; no amino-acid change (aspartic acid 1771 retained).
Molecular consequence: synonymous variant.
Genome position (GRCh38, 1-based): chr9:134,835,147, C>T. VCF-style: chr9-134835147-C-T. GRCh37 (hg19) VCF-style: chr9-137726993-C-T.
Other names: c.5313C>T, p.Asp1771= (NM_001278074.1).
Identifiers: ClinVar variation 384907 (VCV000384907.12), dbSNP rs753245063, ClinGen allele CA16605684.
Genomic context (GRCh38, chr9:134,835,147, plus strand): 5'-CTGGCAGGACGCAGCCACGGGCAGCTACGACAAGGCCCTCCGCTTCCTGGGCTCCAACGA[C>T]GAGGAGATGTCCTATGACAACAACCCCTACATCCGCGCCCTGGTGGACGGCTGTGCTGTG-3'
Protein context (NP_000084.3, residues 1761-1781): DKALRFLGSN[Asp1771=]EEMSYDNNPY